The following is an entry in ClinVar:

NM_001399.5(EDA):c.180C>A (p.Cys60Ter)

Gene: EDA (ectodysplasin A; plus strand). Cytogenetic location: Xq13.1.
Variant type: single nucleotide variant.
Coding change: c.180C>A on transcript NM_001399.5 (MANE Select); coding-DNA position 180, C replaced by A.
Protein change: p.Cys60Ter; replaces cysteine 60 with a stop codon.
Molecular consequence: nonsense.
Genome position (GRCh38, 1-based): chrX:69,616,488, C>A. VCF-style: chrX-69616488-C-A. GRCh37 (hg19) VCF-style: chrX-68836332-C-A.
Other names: c.180C>A, p.Cys60Ter (NM_001005609.2, NM_001005610.4, NM_001005612.3 and 1 more transcripts); short protein forms C60*.
Identifiers: ClinVar variation 430575 (VCV000430575.3), dbSNP rs1131692034, ClinGen allele CA413447241.

ClinVar aggregate classification (germline): Pathogenic (0 of 4 stars; one submission).

Conditions:
Hypohidrotic X-linked ectodermal dysplasia (XHED). Also called: ECTODERMAL DYSPLASIA 1; ECTODERMAL DYSPLASIA, HYPOHIDROTIC, 1; CST SYNDROME; Ectodermal Dysplasia 1, Anhidrotic; Anhidrotic ectodermal dysplasia X-linked; Christ Siemens Touraine syndrome. Identifiers: Orphanet 181, Orphanet 238468, MedGen C0162359, MONDO:0010585, OMIM 305100.

Submission:

Centre for Genetic Disorders, Banaras Hindu University
Classification: Pathogenic for Hypohidrotic X-linked ectodermal dysplasia. Last evaluated: 2017-02-28. Review status: no assertion criteria provided. Collection method: research. Allele origin: germline. Inheritance: X-linked inheritance. Affected: yes. Observed: 3 variant alleles, 1 heterozygote, 2 hemizygotes. Clinical features observed: Dry skin, Hypohidrosis, Hypodontia, Thin skin, Frontal bossing, Depressed nasal bridge, Hypohidrotic ectodermal dysplasia, Conical tooth, Hypotrichosis, Brittle hair, Sparse eyelashes, Sparse and thin eyebrow, and 1 more.
Comment: NM_001399.4:c.180C>A change in EDA is asociated with X-linked Ectodermal dysplasia 1 (Hypohydrotic, hair, tooth type OMIM# 305100) in an Indian family. Only males having this variation was affected none of the females having this variation was affected. This variation was not present in the 100 control individuals. This change is a nonsense mutation leading to termination of protein synthesis at 60th aminoacid (NP_001390.1 p.Cys60*). Clinical significance using online tool MutationTaster and was predicted to be disease causing